The following is an entry in ClinVar:

Single allele

Gene: LOC102724465 (uncharacterized LOC102724465; minus strand). Cytogenetic location: 15q25.3.
Variant type: Deletion.
Identifiers: ClinVar variation 157353 (VCV000157353.2).

ClinVar aggregate classification (germline): not provided (0 of 4 stars; one submission).

Conditions:
Preeclampsia. Identifiers: Orphanet 275555, MedGen C0032914, MONDO:0005081, HP:0100602.

Submission:

Institute of Molecular and Cell Biology, University of Tartu
No classification provided. Condition: Preeclampsia. Review status: no classification provided. Collection method: case-control. Allele origin: unknown. Affected: yes. Study: Kasak2014.
Comment: The study aimed to determine the contribution of copy number variants in the genetic etiology of normal and complicated pregnancies. The samples represented (i) maternal blood DNA drawn from healthy pregnant women during 1st or 2nd trimester and (ii) maternal and paternal blood DNA drawn at term pregnancy cases representing normal and complicated gestations (severe preeclampsia, PE; gestational diabetes, GD; small-for-gestational age newborn, SGA; large-for-gestational age newborn, LGA). We performed CNV calling based on genome-wide genotyping dataset (Illumina HumanOmniExpress-24-v1 BeadChip) by applying three algorithms, QuantiSNP, GADA (Genome Alteration Detection Algorithm) and CNstream in parallel. The acquired CNV calls were merged with HD-CNV (Hotspot Detector for Copy Number Variants) program and only the CNVs predicted by at least two programs, were considered in subsequent analysis.

Literature cited by the submitters: PubMed 25666259.